The following is an entry in ClinVar:

NM_001035.3(RYR2):c.186C>T (p.Leu62=)

Gene: RYR2 (ryanodine receptor 2; plus strand). Cytogenetic location: 1q43.
Variant type: single nucleotide variant.
Coding change: c.186C>T on transcript NM_001035.3 (MANE Select); coding-DNA position 186, C replaced by T.
Protein change: p.Leu62=; no amino-acid change (leucine 62 retained).
Molecular consequence: synonymous variant.
Genome position (GRCh38, 1-based): chr1:237,330,895, C>T. VCF-style: chr1-237330895-C-T. GRCh37 (hg19) VCF-style: chr1-237494195-C-T.
Identifiers: ClinVar variation 227914 (VCV000227914.12), dbSNP rs754375280, ClinGen allele CA085907.
Genomic context (GRCh38, chr1:237,330,895, plus strand): 5'-GATGAAGATGATGCTGCTGACTGCTCTTCCTCTTTCTGTGCAGAATGTGCCCCCAGACCT[C>T]TCCATCTGCACCTTTGTGCTGGAGCAGTCCCTCTCTGTCCGGGCGCTGCAGGAGATGCTG-3'
Protein context (NP_001026.2, residues 52-72): TSNSKNVPPD[Leu62=]SICTFVLEQS

ClinVar aggregate classification (germline): Likely benign. Review status: criteria provided, multiple submitters, no conflicts (2 of 4 stars). 5 submissions from 5 submitters: Likely benign (5). Last evaluated 2024-05-14.

Conditions:
Cardiovascular phenotype. Identifiers: MedGen CN230736.
Catecholaminergic polymorphic ventricular tachycardia (CVPT). Also called: Catecholamine-induced polymorphic ventricular tachycardia. Identifiers: Orphanet 3286, MedGen C5574922, MONDO:0017990.
Catecholaminergic polymorphic ventricular tachycardia 1. Also called: VENTRICULAR TACHYCARDIA, STRESS-INDUCED POLYMORPHIC 1; VENTRICULAR TACHYCARDIA, CATECHOLAMINERGIC POLYMORPHIC, 1, WITH OR WITHOUT ATRIAL DYSFUNCTION AND/OR DILATED CARDIOMYOPATHY; RYR2-Related Catecholaminergic Polymorphic Ventricular Tachycardia. Identifiers: Orphanet 3286, MedGen C1631597, MONDO:0011484, OMIM 604772.
Cardiomyopathy (CMYO). Also called: Cardiomyopathies. Identifiers: Orphanet 167848, MedGen C0878544, MONDO:0004994, HP:0001638. Inheritance: Various modes of inheritance.

Allele frequency attached by ClinVar (database versions not stated): gnomAD exomes 0.00002 and 0.00001; gnomAD 0.00001; TOPMed 0.00001; ExAC 0.00002.
gnomAD v4.1: 9 of 1,613,980 alleles (0.00056%); highest among the groups gnomAD compares: East Asian, 0.016%; no homozygotes.

Submissions (5):

All of Us Research Program, National Institutes of Health
Classification: Likely benign for Catecholaminergic polymorphic ventricular tachycardia. Last evaluated: 2024-05-14. Review status: criteria provided, single submitter. Criteria: ACMG Guidelines, 2015. Collection method: clinical testing. Allele origin: germline. Inheritance: Autosomal dominant inheritance. Observed: 1 variant allele, 1 heterozygote.
Comment: This study involves interpretation of variants in research participants for the purpose of population health screening. Participant phenotype was not available at the time of variant classification. Additional details can be found in publication PMID: 35346344, PMCID: PMC8962531

Labcorp Genetics (formerly Invitae), Labcorp
Classification: Likely benign for Catecholaminergic polymorphic ventricular tachycardia 1. Last evaluated: 2024-03-28. Review status: criteria provided, single submitter. Criteria: Invitae Variant Classification Sherloc (09022015). Collection method: clinical testing. Allele origin: germline.

Ambry Genetics
Classification: Likely benign for Cardiovascular phenotype. Last evaluated: 2020-08-05. Review status: criteria provided, single submitter. Criteria: Ambry Variant Classification Scheme 2023. Collection method: clinical testing. Allele origin: germline.

Color Diagnostics, LLC DBA Color Health
Classification: Likely benign for Cardiomyopathy. Last evaluated: 2020-01-15. Review status: criteria provided, single submitter. Criteria: ACMG Guidelines, 2015. Collection method: clinical testing. Allele origin: germline.

Laboratory for Molecular Medicine, Mass General Brigham Personalized Medicine
Classification: Likely benign. Last evaluated: 2015-04-04. Review status: criteria provided, single submitter. Criteria: LMM Criteria. Collection method: clinical testing. Allele origin: germline. Observed: 1 variant allele.
Comment: p.Leu62Leu in exon 3 of RYR2: This variant is not expected to have clinical sign ificance because it does not alter an amino acid residue and is not located with in the splice consensus sequence. It has been identified in 3/8614 of East Asian chromosomes by the Exome Aggregation Consortium (ExAC).